The following is an entry in ClinVar:

NM_001287491.2(TET3):c.648T>C (p.Leu216=)

Gene: TET3 (tet methylcytosine dioxygenase 3; plus strand). Cytogenetic location: 2p13.1.
Variant type: single nucleotide variant.
Coding change: c.648T>C on transcript NM_001287491.2 (MANE Select); coding-DNA position 648, T replaced by C.
Protein change: p.Leu216=; no amino-acid change (leucine 216 retained).
Molecular consequence: synonymous variant.
Genome position (GRCh38, 1-based): chr2:74,046,565, T>C. VCF-style: chr2-74046565-T-C. GRCh37 (hg19) VCF-style: chr2-74273692-T-C.
Other names: c.369T>C, p.Leu123= (NM_001366022.1); c.243T>C, p.Leu81= (NM_144993.1).
Identifiers: ClinVar variation 3234261 (VCV003234261.20), dbSNP rs1687632692, ClinGen allele CA427028100.
Genomic context (GRCh38, chr2:74,046,565, plus strand): 5'-TGCCCACGATCTGGTGGCCTTTTCGGCTGTGGCCGAAGCTGTGTCCTCTTATGGGGCCCT[T>C]AGCACCCGGCTCTATGAAACCTTCAACCGTGAGATGAGTCGTGAGGCTGGGAACAACAGC-3'
Protein context (NP_001274420.1, residues 206-226): VAEAVSSYGA[Leu216=]STRLYETFNR

ClinVar aggregate classification (germline): Likely benign (1 of 4 stars; one submission).

Allele frequency attached by ClinVar (database versions not stated): gnomAD exomes below 0.00001.
gnomAD v4.1: 3 of 1,613,876 alleles (0.00019%); highest among the groups gnomAD compares: Middle Eastern, 0.049%; no homozygotes.

Submission:

CeGaT Center for Human Genetics Tuebingen
Classification: Likely benign. Last evaluated: 2024-07-01. Review status: criteria provided, single submitter. Criteria: CeGaT Center For Human Genetics Tuebingen Variant Classification Criteria Version 2. Collection method: clinical testing. Allele origin: germline. Affected: yes. Observed: 2 variant alleles.
Comment: TET3: PM2:Supporting, BP4, BP7